The following is an entry in ClinVar:

NM_001126108.2(SLC12A3):c.1289G>A (p.Cys430Tyr)

Gene: SLC12A3 (solute carrier family 12 member 3; plus strand). Cytogenetic location: 16q13.
Variant type: single nucleotide variant.
Coding change: c.1289G>A on transcript NM_001126108.2 (MANE Select); coding-DNA position 1289, G replaced by A.
Protein change: p.Cys430Tyr; replaces cysteine 430 with tyrosine.
Molecular consequence: missense variant.
Genome position (GRCh38, 1-based): chr16:56,879,181, G>A. VCF-style: chr16-56879181-G-A. GRCh37 (hg19) VCF-style: chr16-56913093-G-A.
Other names: c.1289G>A, p.Cys430Tyr (NM_000339.3); c.1286G>A, p.Cys429Tyr (NM_001126107.2, NM_001410896.1); short protein forms C429Y, C430Y.
Identifiers: ClinVar variation 2736350 (VCV002736350.4), dbSNP rs2055203969, ClinGen allele CA395986134.
Genomic context (GRCh38, chr16:56,879,181, plus strand): 5'-CCCCTGGCTGGGGTGCCTGCGAGGGGCTGGCCTGCAGCTATGGCTGGAACTTCACCGAGT[G>A]CACCCAGCAGCACAGCTGCCACTACGGCCTCATCAACTATTACCAGGTACTGCCAGGAGA-3'
Protein context (NP_001119580.2, residues 420-440): ACSYGWNFTE[Cys430Tyr]TQQHSCHYGL

ClinVar aggregate classification (germline): Pathogenic (1 of 4 stars; one submission).

Allele frequency attached by ClinVar (database versions not stated): gnomAD exomes below 0.00001; TOPMed below 0.00001.

Submission:

Labcorp Genetics (formerly Invitae), Labcorp
Classification: Pathogenic. Last evaluated: 2024-02-17. Review status: criteria provided, single submitter. Criteria: Invitae Variant Classification Sherloc (09022015). Collection method: clinical testing. Allele origin: germline.
Comment: This sequence change replaces cysteine, which is neutral and slightly polar, with tyrosine, which is neutral and polar, at codon 430 of the SLC12A3 protein (p.Cys430Tyr). This variant is not present in population databases (gnomAD no frequency). This missense change has been observed in individuals with Gitelman syndrome (PMID: 21415153, 30596175). Advanced modeling of protein sequence and biophysical properties (such as structural, functional, and spatial information, amino acid conservation, physicochemical variation, residue mobility, and thermodynamic stability) performed at Invitae indicates that this missense variant is expected to disrupt SLC12A3 protein function with a positive predictive value of 95%. This variant disrupts the p.Cys430 amino acid residue in SLC12A3. Other variant(s) that disrupt this residue have been determined to be pathogenic (PMID: 18287808, 22934535, 30413979, 31398183). This suggests that this residue is clinically significant, and that variants that disrupt this residue are likely to be disease-causing. For these reasons, this variant has been classified as Pathogenic.

Literature cited by the submitters: PubMed 21415153; PubMed 30596175; PubMed 18287808; PubMed 22934535; PubMed 30413979; PubMed 31398183.